The following is an entry in ClinVar:

NM_006343.3(MERTK):c.417G>A (p.Gly139=)

Gene: MERTK (MER proto-oncogene, tyrosine kinase; plus strand). Cytogenetic location: 2q13.
Variant type: single nucleotide variant.
Coding change: c.417G>A on transcript NM_006343.3 (MANE Select); coding-DNA position 417, G replaced by A.
Protein change: p.Gly139=; no amino-acid change (glycine 139 retained).
Molecular consequence: synonymous variant.
Genome position (GRCh38, 1-based): chr2:111,929,475, G>A. VCF-style: chr2-111929475-G-A. GRCh37 (hg19) VCF-style: chr2-112687052-G-A.
Other names: c.417G>A (NM_006343.2).
Identifiers: ClinVar variation 1097786 (VCV001097786.11), dbSNP rs370201392, ClinGen allele CA1831027.
Genomic context (GRCh38, chr2:111,929,475, plus strand): 5'-ACCTAATATATACCAGGACACCACAATTTCTTGGTGGAAAGATGGGAAGGAATTGCTTGG[G>A]GCACATCATGCAATTACACAGTTTTATCCAGATGATGAAGTTACAGCAATAATCGCTTCC-3'
Protein context (NP_006334.2, residues 129-149): SWWKDGKELL[Gly139=]AHHAITQFYP

ClinVar aggregate classification (germline): Likely benign. Review status: criteria provided, multiple submitters, no conflicts (2 of 4 stars). 3 submissions from 3 submitters: Likely benign (3). Last evaluated 2026-01-22.

Conditions:
MERTK-related disorder. Also called: MERTK-related condition.

Allele frequency attached by ClinVar (database versions not stated): ExAC 0.00002; gnomAD exomes 0.00003 and 0.00004; ESP Exome Variant Server 0.00015; TOPMed 0.00015; gnomAD 0.00018 and 0.00019.
gnomAD v4.1: 65 of 1,613,946 alleles (0.004%); highest among the groups gnomAD compares: African/African-American, 0.084%; no homozygotes.

Submissions (3):

Labcorp Genetics (formerly Invitae), Labcorp
Classification: Likely benign. Last evaluated: 2026-01-22. Review status: criteria provided, single submitter. Criteria: Invitae Variant Classification Sherloc (09022015). Collection method: clinical testing. Allele origin: germline.

PreventionGenetics, part of Exact Sciences
Classification: Likely benign for MERTK-related condition. Last evaluated: 2025-01-24. Review status: criteria provided, single submitter. Criteria: ACMG Guidelines, 2015. Collection method: clinical testing. Allele origin: germline.
Comment: This variant is classified as likely benign based on ACMG/AMP sequence variant interpretation guidelines (Richards et al. 2015 PMID: 25741868, with internal and published modifications).

Blueprint Genetics
Classification: Likely benign. Last evaluated: 2024-06-11. Review status: criteria provided, single submitter. Criteria: ACMG Guidelines, 2015. Collection method: clinical testing. Allele origin: germline.